The following is an entry in ClinVar:

NM_004006.3(DMD):c.1519G>A (p.Val507Ile)

Gene: DMD (dystrophin; minus strand). Cytogenetic location: Xp21.1.
Variant type: single nucleotide variant.
Coding change: c.1519G>A on transcript NM_004006.3 (MANE Select); coding-DNA position 1519, G replaced by A.
Protein change: p.Val507Ile; replaces valine 507 with isoleucine.
Molecular consequence: missense variant.
Genome position (GRCh38, 1-based): chrX:32,595,840, C>T on the plus strand (G>A on the coding strand, the complement: DMD is on the minus strand). VCF-style: chrX-32595840-C-T. GRCh37 (hg19) VCF-style: chrX-32613957-C-T.
Other names: c.1495G>A, p.Val499Ile (NM_000109.4); c.1507G>A, p.Val503Ile (NM_004009.3); c.1150G>A, p.Val384Ile (NM_004010.3); short protein forms V507I, V384I, V503I, V499I.
Identifiers: ClinVar variation 2497578 (VCV002497578.2), dbSNP rs2055458426, ClinGen allele CA412665636.
Genomic context (GRCh38, chrX:32,595,840, plus strand): 5'-CAGTTGCGTGATCTCCACTAGATTCATCAACTACCACCACCATGTGAGTGAGAGAATTGA[C>T]CCTGACTTGTTCTTGTTCTAGATCTTCTTGAAGCACCTGAAAGATAAAATGTTTTAAAGG-3'
Protein context (NP_003997.2, residues 497-517): QEDLEQEQVR[Val507Ile]NSLTHMVVVV

ClinVar aggregate classification (germline): Uncertain significance (1 of 4 stars; one submission).

Conditions:
Cardiovascular phenotype. Identifiers: MedGen CN230736.

Allele frequency attached by ClinVar (database versions not stated): gnomAD exomes 0.00002.
gnomAD v4.1: 24 of 1,203,007 alleles (0.002%); highest among the groups gnomAD compares: East Asian, 0.071%; no homozygotes.

Submission:

Ambry Genetics
Classification: Uncertain significance for Cardiovascular phenotype. Last evaluated: 2022-11-03. Review status: criteria provided, single submitter. Criteria: Ambry Variant Classification Scheme 2023. Collection method: clinical testing. Allele origin: germline.
Comment: The p.V507I variant (also known as c.1519G>A), located in coding exon 13 of the DMD gene, results from a G to A substitution at nucleotide position 1519. The valine at codon 507 is replaced by isoleucine, an amino acid with highly similar properties. This amino acid position is highly conserved in available vertebrate species. In addition, this alteration is predicted to be tolerated by in silico analysis. Since supporting evidence is limited at this time, the clinical significance of this alteration remains unclear.